The following is an entry in ClinVar:

ClinVar aggregate classification (germline): Uncertain significance (1 of 4 stars; one submission).

Conditions:
Hereditary cancer-predisposing syndrome. Also called: Neoplastic Syndromes, Hereditary; Hereditary Cancer Syndrome; Tumor predisposition; Hereditary neoplastic syndrome. Identifiers: Orphanet 140162, MedGen C0027672, MeSH D009386, MONDO:0015356.

Submission:

Ambry Genetics
Classification: Uncertain significance for Hereditary cancer-predisposing syndrome. Last evaluated: 2023-03-07. Review status: criteria provided, single submitter. Criteria: Ambry Variant Classification Scheme 2023. Collection method: clinical testing. Allele origin: germline.
Comment: The c.2291_2292delTCinsAA variant (also known as p.L764Q), located in coding exon 16 of the TSC1 gene, results from an in-frame deletion of TC and insertion of AA at nucleotide positions 2291 to 2292. This results in the substitution of the leucine residue for a glutamine residue at codon 764, an amino acid with dissimilar properties. This amino acid position is well conserved in available vertebrate species. In addition, this alteration is predicted to be neutral by in silico analysis (Choi Y et al. PLoS ONE. 2012; 7(10):e46688). Since supporting evidence is limited at this time, the clinical significance of this alteration remains unclear.

NM_000368.5(TSC1):c.2291_2292delinsAA (p.Leu764Gln)

Gene: TSC1 (TSC complex subunit 1; minus strand). Cytogenetic location: 9q34.13.
Variant type: Indel.
Coding change: c.2291_2292delinsAA on transcript NM_000368.5 (MANE Select); coding-DNA positions 2291 to 2292, TC replaced by AA.
Protein change: p.Leu764Gln; replaces leucine 764 with glutamine.
Molecular consequence: missense variant. On other transcripts: non-coding transcript variant (5).
Genome position (GRCh38, 1-based): chr9:132,902,704-132,902,705, GA replaced by TT on the plus strand (TC replaced by AA on the coding strand, the reverse complement: TSC1 is on the minus strand). VCF-style: chr9-132902704-GA-TT. GRCh37 (hg19) VCF-style: chr9-135778091-GA-TT.
Other names: c.2288_2289delinsAA, p.Leu763Gln (NM_001162426.2, NM_001406597.1, NM_001406598.1 and 4 more transcripts); c.2138_2139delinsAA, p.Leu713Gln (NM_001162427.2, NM_001406610.1); c.1928_1929delinsAA, p.Leu643Gln (NM_001362177.2, NM_001406614.1, NM_001406615.1 and 5 more transcripts); c.2291_2292delinsAA, p.Leu764Gln (NM_001406592.1, NM_001406593.1, NM_001406594.1 and 5 more transcripts); c.2276_2277delinsAA, p.Leu759Gln (NM_001406601.1, NM_001406602.1); c.2273_2274delinsAA, p.Leu758Gln (NM_001406603.1, NM_001406604.1); c.2135_2136delinsAA, p.Leu712Gln (NM_001406611.1, NM_001406612.1, NM_001406613.1); c.1925_1926delinsAA, p.Leu642Gln (NM_001406620.1, NM_001406621.1, NM_001406622.1 and 2 more transcripts); and 3 more; short protein forms L446Q, L447Q, L642Q, L763Q, L759Q, L413Q, L643Q, L712Q.
Identifiers: ClinVar variation 2447891 (VCV002447891.2), dbSNP rs2538617471, ClinGen allele CA2580080143.